The following is an entry in ClinVar:

NM_004320.6(ATP2A1):c.129T>C (p.Ala43=)

Genes: ATP2A1-AS1 (ATP2A1 antisense RNA 1; minus strand), ATP2A1 (ATPase sarcoplasmic/endoplasmic reticulum Ca2+ transporting 1; plus strand). Cytogenetic location: 16p11.2.
Variant type: single nucleotide variant.
Coding change: c.129T>C on transcript NM_004320.6 (MANE Select); coding-DNA position 129, T replaced by C.
Protein change: p.Ala43=; no amino-acid change (alanine 43 retained).
Molecular consequence: synonymous variant.
Genome position (GRCh38, 1-based): chr16:28,879,109, T>C. VCF-style: chr16-28879109-T-C. GRCh37 (hg19) VCF-style: chr16-28890430-T-C.
Other names: c.129T>C (NM_173201.3); c.129T>C, p.Ala43= (NM_173201.5).
Identifiers: ClinVar variation 1156241 (VCV001156241.11), dbSNP rs750655997, ClinGen allele CA7986521.

ClinVar aggregate classification (germline): Likely benign. Review status: criteria provided, single submitter (1 of 4 stars). 2 submissions from 2 submitters: Likely benign (1). 1 of the submissions does not count toward it. Last evaluated 2025-08-18.

Conditions:
Brody myopathy. Also called: BRODY DISEASE. Identifiers: Orphanet 53347, MedGen C1832918, MONDO:0010977, OMIM 601003.
ATP2A1-related disorder. Also called: ATP2A1-related condition.

Allele frequency attached by ClinVar (database versions not stated): ExAC 0.00001; gnomAD exomes 0.00002; TOPMed 0.00007; gnomAD 0.00009 and 0.00010.
gnomAD v4.1: 25 of 1,613,986 alleles (0.0015%); highest among the groups gnomAD compares: African/African-American, 0.032%; no homozygotes.

Submissions (2):

Labcorp Genetics (formerly Invitae), Labcorp
Classification: Likely benign for Brody myopathy. Last evaluated: 2025-08-18. Review status: criteria provided, single submitter. Criteria: Invitae Variant Classification Sherloc (09022015). Collection method: clinical testing. Allele origin: germline.

PreventionGenetics, part of Exact Sciences
Classification: Likely benign for ATP2A1-related condition. Last evaluated: 2020-10-29. Review status: no assertion criteria provided. Collection method: clinical testing. Allele origin: germline. Not counted in ClinVar's aggregate classification.
Comment: This variant is classified as likely benign based on ACMG/AMP sequence variant interpretation guidelines (Richards et al. 2015 PMID: 25741868, with internal and published modifications).